The following is an entry in ClinVar:

NM_000059.4(BRCA2):c.1421T>C (p.Leu474Pro)

Gene: BRCA2 (BRCA2 DNA repair associated; plus strand). Cytogenetic location: 13q13.1.
Variant type: single nucleotide variant.
Coding change: c.1421T>C on transcript NM_000059.4 (MANE Select); coding-DNA position 1421, T replaced by C.
Protein change: p.Leu474Pro; replaces leucine 474 with proline.
Molecular consequence: missense variant.
Genome position (GRCh38, 1-based): chr13:32,332,899, T>C. VCF-style: chr13-32332899-T-C. GRCh37 (hg19) VCF-style: chr13-32907036-T-C.
Other names: 1649T>C; short protein forms L474P.
Identifiers: ClinVar variation 96763 (VCV000096763.12), dbSNP rs431825281, ClinGen allele CA011989.

ClinVar aggregate classification (germline): Conflicting classifications of pathogenicity. Review status: criteria provided, conflicting classifications (1 of 4 stars). 4 submissions from 4 submitters: Uncertain significance (2); Likely benign (1). 1 of the submissions does not count toward it. Last evaluated 2025-04-27.

Conditions:
Hereditary cancer-predisposing syndrome. Also called: Hereditary Cancer Syndrome; Neoplastic Syndromes, Hereditary; Hereditary neoplastic syndrome; Tumor predisposition. Identifiers: Orphanet 140162, MedGen C0027672, MeSH D009386, MONDO:0015356.
Hereditary breast ovarian cancer syndrome. Also called: Breast and ovarian cancer; Hereditary breast and/or ovarian cancer syndrome; Hereditary breast and ovarian cancer; Hereditary breast and ovarian cancer syndrome; Hereditary breast and ovarian cancer syndrome (HBOC); BRCA1- and BRCA2-Associated Hereditary Breast and Ovarian Cancer. Identifiers: Orphanet 145, MedGen C0677776, MeSH D061325, MONDO:0003582. Disease mechanism: loss of function.
Breast-ovarian cancer, familial, susceptibility to, 2 (BROVCA2). Also called: BRCA2 Hereditary Breast and Ovarian Cancer. Identifiers: Orphanet 145, MedGen C2675520, MONDO:0012933, OMIM 612555. Disease mechanism: loss of function.

Allele frequency attached by ClinVar (database versions not stated): TOPMed below 0.00001; gnomAD 0.00001.
gnomAD v4.1: 1 of 1,610,958 alleles (0.000062%); highest among the groups gnomAD compares: Admixed American, 0.0017%; no homozygotes.

Submissions (4):

Labcorp Genetics (formerly Invitae), Labcorp
Classification: Uncertain significance for Hereditary breast ovarian cancer syndrome. Last evaluated: 2025-04-27. Review status: criteria provided, single submitter. Criteria: Invitae Variant Classification Sherloc (09022015). Collection method: clinical testing. Allele origin: germline.
Comment: This sequence change replaces leucine, which is neutral and non-polar, with proline, which is neutral and non-polar, at codon 474 of the BRCA2 protein (p.Leu474Pro). This variant is not present in population databases (gnomAD no frequency). This variant has not been reported in the literature in individuals affected with BRCA2-related conditions. ClinVar contains an entry for this variant (Variation ID: 96763). Invitae Evidence Modeling of protein sequence and biophysical properties (such as structural, functional, and spatial information, amino acid conservation, physicochemical variation, residue mobility, and thermodynamic stability) indicates that this missense variant is not expected to disrupt BRCA2 protein function with a negative predictive value of 95%. In summary, the available evidence is currently insufficient to determine the role of this variant in disease. Therefore, it has been classified as a Variant of Uncertain Significance.

Ambry Genetics
Classification: Uncertain significance for Hereditary cancer-predisposing syndrome. Last evaluated: 2024-02-29. Review status: criteria provided, single submitter. Criteria: Ambry Variant Classification Scheme 2023. Collection method: clinical testing. Allele origin: germline.
Comment: The p.L474P variant (also known as c.1421T>C), located in coding exon 9 of the BRCA2 gene, results from a T to C substitution at nucleotide position 1421. The leucine at codon 474 is replaced by proline, an amino acid with similar properties. This amino acid position is not well conserved in available vertebrate species. In addition, this alteration is predicted to be tolerated by in silico analysis. Since supporting evidence is limited at this time, the clinical significance of this alteration remains unclear.

University of Washington Department of Laboratory Medicine, University of Washington
Classification: Likely benign for Hereditary cancer-predisposing syndrome. Last evaluated: 2023-03-23. Review status: criteria provided, single submitter. Criteria: Dines et al. (Genet Med. 2020). Collection method: curation. Allele origin: germline.
Comment: Missense variant in a coldspot region where missense variants are very unlikely to be pathogenic (PMID:31911673).

BRCA2 exon 10 coldspot. Reclassification based on statistical prior probability.

Sharing Clinical Reports Project (SCRP)
Classification: Uncertain significance for Breast-ovarian cancer, familial 2. Last evaluated: 2012-05-01. Review status: no assertion criteria provided. Collection method: clinical testing. Allele origin: germline. Not counted in ClinVar's aggregate classification.